The following is an entry in ClinVar:

ClinVar aggregate classification (germline): Benign/Likely benign. Review status: criteria provided, multiple submitters, no conflicts (2 of 4 stars). 3 submissions from 3 submitters: Benign (1); Likely benign (2). Last evaluated 2025-07-30.

Conditions:
Hereditary cancer-predisposing syndrome. Also called: Hereditary neoplastic syndrome; Neoplastic Syndromes, Hereditary; Tumor predisposition; Hereditary Cancer Syndrome. Identifiers: Orphanet 140162, MedGen C0027672, MeSH D009386, MONDO:0015356.
Tuberous sclerosis 2 (TSC2). Identifiers: Orphanet 805, MedGen C1860707, MONDO:0013199, OMIM 613254.

gnomAD v4.1: 3 of 1,610,220 alleles (0.00019%); highest among the groups gnomAD compares: Admixed American, 0.0017%; no homozygotes.

Submissions (3):

Labcorp Genetics (formerly Invitae), Labcorp
Classification: Likely benign for Tuberous sclerosis 2. Last evaluated: 2025-07-30. Review status: criteria provided, single submitter. Criteria: Invitae Variant Classification Sherloc (09022015). Collection method: clinical testing. Allele origin: germline.

Myriad Genetics, Inc.
Classification: Benign for Tuberous sclerosis 2. Last evaluated: 2025-05-28. Review status: criteria provided, single submitter. Criteria: Myriad Autosomal Dominant, Autosomal Recessive and X-Linked Classification Criteria (2023). Collection method: clinical testing. Allele origin: unknown.
Comment: This variant is considered benign. This variant is a silent/synonymous amino acid change and it is not expected to impact splicing.

Ambry Genetics
Classification: Likely benign for Hereditary cancer-predisposing syndrome. Last evaluated: 2020-05-11. Review status: criteria provided, single submitter. Criteria: Ambry Variant Classification Scheme 2023. Collection method: clinical testing. Allele origin: germline.

NM_000548.5(TSC2):c.3291C>T (p.Ser1097=)

Gene: TSC2 (TSC complex subunit 2; plus strand). Cytogenetic location: 16p13.3.
Variant type: single nucleotide variant.
Coding change: c.3291C>T on transcript NM_000548.5 (MANE Select); coding-DNA position 3291, C replaced by T.
Protein change: p.Ser1097=; no amino-acid change (serine 1097 retained).
Molecular consequence: synonymous variant.
Genome position (GRCh38, 1-based): chr16:2,079,563, C>T. VCF-style: chr16-2079563-C-T. GRCh37 (hg19) VCF-style: chr16-2129564-C-T.
Other names: c.3159C>T, p.Ser1053= (NM_001077183.3, NM_001370404.1); c.3291C>T, p.Ser1097= (NM_001114382.3); c.3051C>T, p.Ser1017= (NM_001318827.2); c.3015C>T, p.Ser1005= (NM_001318829.2); c.2559C>T, p.Ser853= (NM_001318831.2); c.3192C>T, p.Ser1064= (NM_001318832.2); c.3162C>T, p.Ser1054= (NM_001363528.2, NM_001370405.1, NM_021055.3).
Identifiers: ClinVar variation 733129 (VCV000733129.12), dbSNP rs1173297358, ClinGen allele CA492955210.
Genomic context (GRCh38, chr16:2,079,563, plus strand): 5'-CCTCGTACCAGCCTGGGGACTAAGTCCACCCTGTGCGTGGGATTCTCTTCTCAGCTCCAG[C>T]CCCGGGGTGCATGTGAGACAGACCAAGGAGGCGCCGGCCAAGCTGGAGTCCCAGGCTGGG-3'
Protein context (NP_000539.2, residues 1087-1107): ELQSGPESSS[Ser1097=]PGVHVRQTKE